The following is an entry in ClinVar:

NM_000489.6(ATRX):c.110G>A (p.Arg37Gln)

Gene: ATRX (ATRX chromatin remodeler; minus strand). Cytogenetic location: Xq21.1.
Variant type: single nucleotide variant.
Coding change: c.110G>A on transcript NM_000489.6 (MANE Select); coding-DNA position 110, G replaced by A.
Protein change: p.Arg37Gln; replaces arginine 37 with glutamine.
Molecular consequence: missense variant.
Genome position (GRCh38, 1-based): chrX:77,717,154, C>T on the plus strand (G>A on the coding strand, the complement: ATRX is on the minus strand). VCF-style: chrX-77717154-C-T. GRCh37 (hg19) VCF-style: chrX-76972631-C-T.
Other names: c.110G>A, p.Arg37Gln (NM_138270.5); short protein forms R37Q.
Identifiers: ClinVar variation 4746226 (VCV004746226.1).
Genomic context (GRCh38, chrX:77,717,154, plus strand): 5'-AAGACTAGAAGGTATAGCACATTCTTTTTCAATTTACCTGTGTTTTGATTCATTGCAAGT[C>T]GTGGAGGAGAACTTGTTTCTTCAGATTCTTCTGATGAGTGTGCAAGGAAGTCATGAAGCT-3'
Protein context (NP_000480.3, residues 27-47): EESEETSSPP[Arg37Gln]LAMNQNTDKI

ClinVar aggregate classification (germline): Uncertain significance (1 of 4 stars; one submission).

Conditions:
Alpha thalassemia-X-linked intellectual disability syndrome (ATRX). Also called: ALPHA-THALASSEMIA/MENTAL RETARDATION SYNDROME, X-LINKED; ATR, NONDELETION TYPE; ATR-X syndrome; Alpha thalassemia mental retardation syndrome, nondeletion type, X-linked; XLMR hypotonic face syndrome; X-linked alpha-thalassemia-mental retardation syndrome. Identifiers: Orphanet 847, MedGen C1845055, MONDO:0010519, OMIM 301040.

Submission:

Labcorp Genetics (formerly Invitae), Labcorp
Classification: Uncertain significance for Alpha thalassemia-X-linked intellectual disability syndrome. Last evaluated: 2025-03-30. Review status: criteria provided, single submitter. Criteria: Invitae Variant Classification Sherloc (09022015). Collection method: clinical testing. Allele origin: germline.
Comment: This sequence change replaces arginine, which is basic and polar, with glutamine, which is neutral and polar, at codon 37 of the ATRX protein (p.Arg37Gln). This variant is not present in population databases (gnomAD no frequency). This variant has not been reported in the literature in individuals affected with ATRX-related conditions. Invitae Evidence Modeling of protein sequence and biophysical properties (such as structural, functional, and spatial information, amino acid conservation, physicochemical variation, residue mobility, and thermodynamic stability) indicates that this missense variant is not expected to disrupt ATRX protein function with a negative predictive value of 95%. In summary, the available evidence is currently insufficient to determine the role of this variant in disease. Therefore, it has been classified as a Variant of Uncertain Significance.